The following is an entry in ClinVar:

ClinVar aggregate classification (germline): Conflicting classifications of pathogenicity. Review status: criteria provided, conflicting classifications (1 of 4 stars). 2 submissions from 2 submitters: Uncertain significance (1); Likely benign (1). Last evaluated 2025-06-24.

Conditions:
Hereditary cancer-predisposing syndrome. Also called: Hereditary Cancer Syndrome; Hereditary neoplastic syndrome; Tumor predisposition; Neoplastic Syndromes, Hereditary. Identifiers: Orphanet 140162, MedGen C0027672, MeSH D009386, MONDO:0015356.

Submissions (2):

Ambry Genetics
Classification: Likely benign for Hereditary cancer-predisposing syndrome. Last evaluated: 2025-06-24. Review status: criteria provided, single submitter. Criteria: Ambry Variant Classification Scheme 2023. Collection method: clinical testing. Allele origin: germline.

Quest Diagnostics Nichols Institute San Juan Capistrano
Classification: Uncertain significance. Last evaluated: 2024-09-11. Review status: criteria provided, single submitter. Criteria: Quest Diagnostics criteria. Collection method: clinical testing. Allele origin: unknown.
Comment: The BRCA2 c.8982A>C (p.Ser2994=) synonymous variant has not been reported in individuals with BRCA2-related conditions in the published literature. It also has not been reported in large, multi-ethnic general populations (Genome Aggregation Database). Analysis of this variant using software algorithms for the prediction of the effect of nucleotide changes on splicing yielded predictions that this variant does not affect BRCA2 mRNA splicing. Based on the available information, we are unable to determine the clinical significance of this variant.

NM_000059.4(BRCA2):c.8982A>C (p.Ser2994=)

Gene: BRCA2 (BRCA2 DNA repair associated; plus strand). Cytogenetic location: 13q13.1.
Variant type: single nucleotide variant.
Coding change: c.8982A>C on transcript NM_000059.4 (MANE Select); coding-DNA position 8982, A replaced by C.
Protein change: p.Ser2994=; no amino-acid change (serine 2994 retained).
Molecular consequence: synonymous variant. On other transcripts: non-coding transcript variant (1), intron variant (1).
Genome position (GRCh38, 1-based): chr13:32,379,778, A>C. VCF-style: chr13-32379778-A-C. GRCh37 (hg19) VCF-style: chr13-32953915-A-C.
Other names: c.8886A>C, p.Ser2962= (NM_001406719.1); c.4050A>C, p.Ser1350= (NM_001406721.1); c.2565A>C, p.Ser855= (NM_001406722.1); c.8982A>C, p.Ser2994= (NM_001432077.1); c.8954-23A>C (NM_001406720.1).
Identifiers: ClinVar variation 3572372 (VCV003572372.2).